The following is an entry in ClinVar:

NM_017934.7(PHIP):c.3928C>T (p.Arg1310Cys)

Genes: IRAK1BP1 (interleukin 1 receptor associated kinase 1 binding protein 1; plus strand), PHIP (PHIP subunit of CUL4-Ring ligase complex; minus strand). Cytogenetic location: 6q14.1.
Variant type: single nucleotide variant.
Coding change: c.3928C>T on transcript NM_017934.7 (MANE Select); coding-DNA position 3928, C replaced by T.
Protein change: p.Arg1310Cys; replaces arginine 1310 with cysteine.
Molecular consequence: missense variant.
Genome position (GRCh38, 1-based): chr6:78,954,939, G>A on the plus strand (C>T on the coding strand, the complement: PHIP is on the minus strand). VCF-style: chr6-78954939-G-A. GRCh37 (hg19) VCF-style: chr6-79664656-G-A.
Other names: c.3928C>T (NM_017934.6); short protein forms R1310C.
Identifiers: ClinVar variation 986139 (VCV000986139.10), dbSNP rs369513920, ClinGen allele CA3899553.

ClinVar aggregate classification (germline): Uncertain significance. Review status: criteria provided, multiple submitters, no conflicts (2 of 4 stars). 3 submissions from 3 submitters: Uncertain significance (3). Last evaluated 2026-07-13.

Conditions:
Inborn genetic diseases. Identifiers: MedGen C0950123, MeSH D030342.
PHIP-related disorder. Also called: PHIP-related condition; PHIP-related disorders.

Allele frequency attached by ClinVar (database versions not stated): ExAC 0.00001; gnomAD exomes 0.00001; TOPMed 0.00002; gnomAD 0.00003; ESP Exome Variant Server 0.00008.
gnomAD v4.1: 15 of 1,569,808 alleles (0.00096%); highest among the groups gnomAD compares: African/African-American, 0.0028%; no homozygotes.

Submissions (3):

PreventionGenetics, part of Exact Sciences
Classification: Uncertain significance for PHIP-related condition. Last evaluated: 2026-07-13. Review status: criteria provided, single submitter. Criteria: ACMG Guidelines, 2015. Collection method: clinical testing. Allele origin: germline.
Comment: The PHIP c.3928C>T variant is predicted to result in the amino acid substitution p.Arg1310Cys. This variant has been reported in an individual with a neurodevelopmental phenotype (Supp. Data 5, Wang et al. 2020. PubMed ID: 33004838). A functional study shows this variant results in at least fourfold reduced binding compared to wildtype (Morgan et al. 2021. PubMed ID: 34819353). This variant is reported in 0.0034% of alleles in individuals of European (non-Finnish) descent in gnomAD. At this time, the clinical significance of this variant is uncertain due to the absence of conclusive functional and genetic evidence.

Labcorp Genetics (formerly Invitae), Labcorp
Classification: Uncertain significance. Last evaluated: 2022-10-03. Review status: criteria provided, single submitter. Criteria: Invitae Variant Classification Sherloc (09022015). Collection method: clinical testing. Allele origin: germline.
Comment: This missense change has been observed in individual(s) with unspecified neurodevelopmental disorder (PMID: 33004838). In summary, the available evidence is currently insufficient to determine the role of this variant in disease. Therefore, it has been classified as a Variant of Uncertain Significance. Advanced modeling of protein sequence and biophysical properties (such as structural, functional, and spatial information, amino acid conservation, physicochemical variation, residue mobility, and thermodynamic stability) performed at Invitae indicates that this missense variant is not expected to disrupt PHIP protein function. ClinVar contains an entry for this variant (Variation ID: 986139). This variant is present in population databases (rs369513920, gnomAD 0.004%). This sequence change replaces arginine, which is basic and polar, with cysteine, which is neutral and slightly polar, at codon 1310 of the PHIP protein (p.Arg1310Cys).

Ambry Genetics
Classification: Uncertain significance for Inborn genetic diseases. Last evaluated: 2018-07-06. Review status: criteria provided, single submitter. Criteria: Ambry exome assertion method (8-5-2015). Collection method: clinical testing. Allele origin: germline. Affected: yes. Observed: 1 variant allele.

Literature cited by the submitters: PubMed 33004838 (cited by Labcorp Genetics (formerly Invitae), Labcorp).